The following is an entry in ClinVar:

ClinVar aggregate classification (germline): Uncertain significance (1 of 4 stars; one submission).

gnomAD v4.1: 45 of 1,611,566 alleles (0.0028%); highest among the groups gnomAD compares: South Asian, 0.0044%; no homozygotes.

Submission:

GeneDx
Classification: Uncertain significance. Last evaluated: 2024-12-05. Review status: criteria provided, single submitter. Criteria: GeneDx Variant Classification Process June 2021. Collection method: clinical testing. Allele origin: germline. Affected: yes.
Comment: In silico analysis supports that this missense variant has a deleterious effect on protein structure/function; Has not been previously published as pathogenic or benign to our knowledge

NM_033198.4(PIGS):c.1273C>T (p.Arg425Trp)

Gene: PIGS (phosphatidylinositol glycan anchor biosynthesis class S; minus strand). Cytogenetic location: 17q11.2.
Variant type: single nucleotide variant.
Coding change: c.1273C>T on transcript NM_033198.4 (MANE Select); coding-DNA position 1273, C replaced by T.
Protein change: p.Arg425Trp; replaces arginine 425 with tryptophan.
Molecular consequence: missense variant.
Genome position (GRCh38, 1-based): chr17:28,554,970, G>A on the plus strand (C>T on the coding strand, the complement: PIGS is on the minus strand). VCF-style: chr17-28554970-G-A. GRCh37 (hg19) VCF-style: chr17-26881988-G-A.
Other names: short protein forms R425W.
Identifiers: ClinVar variation 3901807 (VCV003901807.1).